The following is an entry in ClinVar:

ClinVar aggregate classification (germline): Uncertain significance (1 of 4 stars; one submission).

Allele frequency attached by ClinVar (database versions not stated): gnomAD 0.00001.
gnomAD v4.1: 12 of 1,532,408 alleles (0.00078%); highest among the groups gnomAD compares: Admixed American, 0.022%; 1 homozygote.

Submission:

Labcorp Genetics (formerly Invitae), Labcorp
Classification: Uncertain significance. Last evaluated: 2023-07-10. Review status: criteria provided, single submitter. Criteria: Invitae Variant Classification Sherloc (09022015). Collection method: clinical testing. Allele origin: germline.
Comment: This sequence change replaces alanine, which is neutral and non-polar, with aspartic acid, which is acidic and polar, at codon 2529 of the SPEG protein (p.Ala2529Asp). This variant is present in population databases (no rsID available, gnomAD 0.02%). This variant has not been reported in the literature in individuals affected with SPEG-related conditions. ClinVar contains an entry for this variant (Variation ID: 2044583). An algorithm developed to predict the effect of missense changes on protein structure and function (PolyPhen-2) suggests that this variant is likely to be tolerated. In summary, the available evidence is currently insufficient to determine the role of this variant in disease. Therefore, it has been classified as a Variant of Uncertain Significance.

NM_005876.5(SPEG):c.7586C>A (p.Ala2529Asp)

Genes: ASIC4-AS1 (ASIC4 antisense RNA 1; minus strand), SPEG (striated muscle enriched protein kinase; plus strand). Cytogenetic location: 2q35.
Variant type: single nucleotide variant.
Coding change: c.7586C>A on transcript NM_005876.5 (MANE Select); coding-DNA position 7586, C replaced by A.
Protein change: p.Ala2529Asp; replaces alanine 2529 with aspartic acid.
Molecular consequence: missense variant.
Genome position (GRCh38, 1-based): chr2:219,485,049, C>A. VCF-style: chr2-219485049-C-A. GRCh37 (hg19) VCF-style: chr2-220349771-C-A.
Other names: short protein forms A2529D.
Identifiers: ClinVar variation 2044583 (VCV002044583.4), dbSNP rs1263144862, ClinGen allele CA350703258.